The following is an entry in ClinVar:

ClinVar aggregate classification (germline): Uncertain significance (1 of 4 stars; one submission).

Conditions:
DSCAML1-related disorder. Also called: DSCAML1-related condition.

Submission:

PreventionGenetics, part of Exact Sciences
Classification: Uncertain significance for DSCAML1-related condition. Last evaluated: 2025-06-10. Review status: criteria provided, single submitter. Criteria: ACMG Guidelines, 2015. Collection method: clinical testing. Allele origin: germline.
Comment: The DSCAML1 c.100G>T variant is predicted to result in premature protein termination (p.Glu34*). To our knowledge, this variant has not been reported in the literature or in a large population database (gnomAD), indicating this variant is rare. At this time, the clinical significance of this variant is uncertain due to the absence of conclusive functional and genetic evidence.

NM_020693.4(DSCAML1):c.-81G>T

Gene: DSCAML1 (DS cell adhesion molecule like 1; minus strand). Cytogenetic location: 11q23.3.
Variant type: single nucleotide variant.
Coding change: c.-81G>T on transcript NM_020693.4 (MANE Select); 81 bases upstream of the start codon, G replaced by T.
Molecular consequence: 5 prime UTR variant. On other transcripts: intron variant (1).
Genome position (GRCh38, 1-based): chr11:117,797,160, C>A on the plus strand (G>T on the coding strand, the complement: DSCAML1 is on the minus strand). VCF-style: chr11-117797160-C-A. GRCh37 (hg19) VCF-style: chr11-117667875-C-A.
Other names: c.-81G>T (NM_001367904.1); c.-362-16350G>T (NM_001367905.1).
Identifiers: ClinVar variation 4997468 (VCV004997468.1).